The following is an entry in ClinVar:

NM_139027.6(ADAMTS13):c.3400+161_3400+175del

Gene: ADAMTS13 (ADAM metallopeptidase with thrombospondin type 1 motif 13; plus strand). Cytogenetic location: 9q34.2.
Variant type: Deletion.
Coding change: c.3400+161_3400+175del on transcript NM_139027.6 (MANE Select); bases 161 to 175 of the intron after coding-DNA position 3400, 15 bases deleted (GCAGTCCAGTTATGT).
Molecular consequence: intron variant. On other transcripts: splice donor variant (1).
Genome position (GRCh38, 1-based): chr9:133,455,596-133,455,610, GCAGTCCAGTTATGT deleted; deleting any 15 consecutive bases within chr9:133,455,594-133,455,610 gives the same sequence; the c. name uses the placement nearest the transcript's 3' end. VCF-style (leftmost placement, unchanged base first): chr9-133455593-AGTGCAGTCCAGTTAT-A. GRCh37 (hg19) VCF-style: chr9-136320715-AGTGCAGTCCAGTTAT-A.
Other names: c.3561_3568+7del (NM_139025.5, NM_139025.4); c.3307+161_3307+175del (NM_139026.6).
Identifiers: ClinVar variation 3596736 (VCV003596736.3).
Genomic context (GRCh38, chr9:133,455,593, plus strand): 5'-CCTGCTCTTCTCCCCGGCTCCCCAGCCTCGGCGGCTCCTGCCCGGGCCCCAGGAAAACTC[AGTGCAGTCCAGTTAT>A]GTCCTGTCCTCCTTCCTGTCAGGCAGCTGCTGCAGGAGGGGTGGGCAAAGGCATCTTCCT-3'

ClinVar aggregate classification (germline): Likely pathogenic. Review status: criteria provided, multiple submitters, no conflicts (2 of 4 stars). 2 submissions from 2 submitters: Likely pathogenic (2). Last evaluated 2025-01-27.

Conditions:
Upshaw-Schulman syndrome (TTP). Also called: THROMBOTIC THROMBOCYTOPENIC PURPURA, HEREDITARY; Congenital thrombotic thrombocytopenic purpura. Identifiers: Orphanet 93583, MedGen C1268935, MONDO:0010122, OMIM 274150.

Submissions (2):

Labcorp Genetics (formerly Invitae), Labcorp
Classification: Likely pathogenic. Last evaluated: 2025-01-27. Review status: criteria provided, single submitter. Criteria: Invitae Variant Classification Sherloc (09022015). Collection method: clinical testing. Allele origin: germline.
Comment: This variant results in the deletion of part of exon 25 (c.3561_3568+7del) of the ADAMTS13 gene. It is expected to disrupt RNA splicing. Variants that disrupt the donor or acceptor splice site typically lead to a loss of protein function (PMID: 16199547), and loss-of-function variants in ADAMTS13 are known to be pathogenic (PMID: 11586351, 12753286, 21781265). This variant is present in population databases (rs781931538, gnomAD 0.006%). This variant has not been reported in the literature in individuals affected with ADAMTS13-related conditions. In summary, the currently available evidence indicates that the variant is pathogenic, but additional data are needed to prove that conclusively. Therefore, this variant has been classified as Likely Pathogenic.

Fulgent Genetics
Classification: Likely pathogenic for Upshaw-Schulman syndrome. Last evaluated: 2024-02-22. Review status: criteria provided, single submitter. Criteria: ACMG Guidelines, 2015. Collection method: clinical testing. Allele origin: germline.

Literature cited by the submitters: PubMed 16199547 (cited by Labcorp Genetics (formerly Invitae), Labcorp); PubMed 11586351 (cited by Labcorp Genetics (formerly Invitae), Labcorp); PubMed 12753286 (cited by Labcorp Genetics (formerly Invitae), Labcorp); PubMed 21781265 (cited by Labcorp Genetics (formerly Invitae), Labcorp).